The following is an entry in ClinVar:

ClinVar aggregate classification (germline): Benign (0 of 4 stars; one submission).

Conditions:
MUC16-related disorder. Also called: MUC16-related condition.

Allele frequency attached by ClinVar (database versions not stated): 1000 Genomes Project 30x 0.08136.

Submission:

PreventionGenetics, part of Exact Sciences
Classification: Benign for MUC16-related condition. Last evaluated: 2019-10-18. Review status: no assertion criteria provided. Collection method: clinical testing. Allele origin: germline.
Comment: This variant is classified as benign based on ACMG/AMP sequence variant interpretation guidelines (Richards et al. 2015 PMID: 25741868, with internal and published modifications).

NM_001401501.2(MUC16):c.42755G>A (p.Arg14252Gln)

Gene: MUC16 (mucin 16, cell surface associated; minus strand). Cytogenetic location: 19p13.2.
Variant type: single nucleotide variant.
Coding change: c.42755G>A on transcript NM_001401501.2 (MANE Select); coding-DNA position 42755, G replaced by A.
Protein change: p.Arg14252Gln; replaces arginine 14252 with glutamine.
Molecular consequence: missense variant.
Genome position (GRCh38, 1-based): chr19:8,891,911, C>T on the plus strand (G>A on the coding strand, the complement: MUC16 is on the minus strand). VCF-style: chr19-8891911-C-T. GRCh37 (hg19) VCF-style: chr19-9002587-C-T.
Other names: c.43181G>A, p.Arg14394Gln (NM_001414686.1); c.42635G>A, p.Arg14212Gln (NM_001414687.1); c.40229G>A, p.Arg13410Gln (NM_024690.2); short protein forms R13410Q, R14212Q, R14252Q, R14394Q.
Identifiers: ClinVar variation 3060538 (VCV003060538.2), dbSNP rs201053591, ClinGen allele CA9163496.
Genomic context (GRCh38, chr19:8,891,911, plus strand): 5'-AGGGTGTAGGGGCCCAGCTCAGTGATGCCGTGGGTCAGCTGGCTCAGCTTCCAGTACAGC[C>T]GCTCTCTGTCCAGTCCAGGGCTTTTGGGGTCAGGACGATGGGTGCAGACAGCATCCACTC-3'
Protein context (NP_001388430.1, residues 14242-14262): DPKSPGLDRE[Arg14252Gln]LYWKLSQLTH